The following is an entry in ClinVar:

NM_000038.6(APC):c.387A>C (p.Glu129Asp)

Gene: APC (APC regulator of Wnt signaling pathway; plus strand). Cytogenetic location: 5q22.2.
Variant type: single nucleotide variant.
Coding change: c.387A>C on transcript NM_000038.6 (MANE Select); coding-DNA position 387, A replaced by C.
Protein change: p.Glu129Asp; replaces glutamic acid 129 with aspartic acid.
Molecular consequence: missense variant. On other transcripts: 5 prime UTR variant (1).
Genome position (GRCh38, 1-based): chr5:112,767,355, A>C. VCF-style: chr5-112767355-A-C. GRCh37 (hg19) VCF-style: chr5-112103052-A-C.
Other names: c.387A>C, p.Glu129Asp (NM_001127510.3, NM_001354895.2, NM_001354896.2 and 2 more transcripts); c.417A>C, p.Glu139Asp (NM_001127511.3, NM_001354897.2, NM_001354902.2); c.312A>C, p.Glu104Asp (NM_001354898.2, NM_001354904.2); c.210A>C, p.Glu70Asp (NM_001354900.2, NM_001354901.2, NM_001354905.2); c.-649A>C (NM_001354906.2); short protein forms E129D, E70D, E139D, E104D.
Identifiers: ClinVar variation 1406872 (VCV001406872.10), dbSNP rs1554069832, ClinGen allele CA16022163.
Genomic context (GRCh38, chr5:112,767,355, plus strand): 5'-GTGCAGTCCTGTTCCTATGGGTTCATTTCCAAGAAGAGGGTTTGTAAATGGAAGCAGAGA[A>C]AGTACTGGATATTTAGAAGAACTTGAGAAAGAGAGGTAACTTTTCTTCATATAGTAAACA-3'
Protein context (NP_000029.2, residues 119-139): PRRGFVNGSR[Glu129Asp]STGYLEELEK

ClinVar aggregate classification (germline): Uncertain significance. Review status: criteria provided, multiple submitters, no conflicts (2 of 4 stars). 2 submissions from 2 submitters: Uncertain significance (2). Last evaluated 2022-05-31.

Conditions:
Hereditary cancer-predisposing syndrome. Also called: Hereditary neoplastic syndrome; Hereditary Cancer Syndrome; Neoplastic Syndromes, Hereditary; Tumor predisposition. Identifiers: Orphanet 140162, MedGen C0027672, MeSH D009386, MONDO:0015356.
Familial adenomatous polyposis 1 (FAP1). Also called: POLYPOSIS, ADENOMATOUS INTESTINAL; FAMILIAL ADENOMATOUS POLYPOSIS 1, ATTENUATED. Identifiers: MedGen C2713442, MONDO:0021056, OMIM 175100. Disease mechanism: loss of function.

Submissions (2):

Ambry Genetics
Classification: Uncertain significance for Hereditary cancer-predisposing syndrome. Last evaluated: 2022-05-31. Review status: criteria provided, single submitter. Criteria: Ambry Variant Classification Scheme 2023. Collection method: clinical testing. Allele origin: germline.
Comment: The p.E129D variant (also known as c.387A>C), located in coding exon 3 of the APC gene, results from an A to C substitution at nucleotide position 387. The glutamic acid at codon 129 is replaced by aspartic acid, an amino acid with highly similar properties. This amino acid position is highly conserved in available vertebrate species. In addition, in silico predictors for this gene do not accurately predict pathogenicity. Since supporting evidence is limited at this time, the clinical significance of this alteration remains unclear.

Labcorp Genetics (formerly Invitae), Labcorp
Classification: Uncertain significance for Familial adenomatous polyposis 1. Last evaluated: 2021-03-02. Review status: criteria provided, single submitter. Criteria: Invitae Variant Classification Sherloc (09022015). Collection method: clinical testing. Allele origin: germline.
Comment: This variant has not been reported in the literature in individuals with APC-related conditions. This variant is not present in population databases (ExAC no frequency). This sequence change replaces glutamic acid with aspartic acid at codon 129 of the APC protein (p.Glu129Asp). The glutamic acid residue is highly conserved and there is a small physicochemical difference between glutamic acid and aspartic acid. In summary, the available evidence is currently insufficient to determine the role of this variant in disease. Therefore, it has been classified as a Variant of Uncertain Significance. Algorithms developed to predict the effect of missense changes on protein structure and function (SIFT, PolyPhen-2, Align-GVGD) all suggest that this variant is likely to be tolerated, but these predictions have not been confirmed by published functional studies and their clinical significance is uncertain.